The following is an entry in ClinVar:

NM_001365999.1(SZT2):c.8497A>G (p.Ser2833Gly)

Gene: SZT2 (SZT2 subunit of KICSTOR complex; plus strand). Cytogenetic location: 1p34.2.
Variant type: single nucleotide variant.
Coding change: c.8497A>G on transcript NM_001365999.1 (MANE Select); coding-DNA position 8497, A replaced by G.
Protein change: p.Ser2833Gly; replaces serine 2833 with glycine.
Molecular consequence: missense variant.
Genome position (GRCh38, 1-based): chr1:43,443,265, A>G. VCF-style: chr1-43443265-A-G. GRCh37 (hg19) VCF-style: chr1-43908936-A-G.
Other names: c.8326A>G, p.Ser2776Gly (NM_015284.4); short protein forms S2776G, S2833G.
Identifiers: ClinVar variation 1315195 (VCV001315195.3), dbSNP rs1655275072, ClinGen allele CA340039343.

ClinVar aggregate classification (germline): Uncertain significance (1 of 4 stars; one submission).

Allele frequency attached by ClinVar (database versions not stated): gnomAD exomes below 0.00001; gnomAD 0.00001.

Submission:

GeneDx
Classification: Uncertain significance. Last evaluated: 2023-03-12. Review status: criteria provided, single submitter. Criteria: GeneDx Variant Classification Process June 2021. Collection method: clinical testing. Allele origin: germline. Affected: yes.
Comment: Not observed in large population cohorts (gnomAD); In silico analysis supports that this missense variant has a deleterious effect on protein structure/function; Has not been previously published as pathogenic or benign to our knowledge